The following is an entry in ClinVar:

NM_021258.4(IL22RA1):c.613G>A (p.Val205Ile)

Gene: IL22RA1 (interleukin 22 receptor subunit alpha 1; minus strand). Cytogenetic location: 1p36.11.
Variant type: single nucleotide variant.
Coding change: c.613G>A on transcript NM_021258.4 (MANE Select); coding-DNA position 613, G replaced by A.
Protein change: p.Val205Ile; replaces valine 205 with isoleucine.
Molecular consequence: missense variant.
Genome position (GRCh38, 1-based): chr1:24,128,198, C>T on the plus strand (G>A on the coding strand, the complement: IL22RA1 is on the minus strand). VCF-style: chr1-24128198-C-T. GRCh37 (hg19) VCF-style: chr1-24454688-C-T.
Other names: short protein forms V205I.
Identifiers: ClinVar variation 2688472 (VCV002688472.2), dbSNP rs16829204, ClinGen allele CA689123.

ClinVar aggregate classification (germline): Benign (1 of 4 stars; one submission).

Allele frequency attached by ClinVar (database versions not stated): 1000 Genomes Project 0.15256; 1000 Genomes Project 30x 0.15568; gnomAD exomes 0.16313; ExAC 0.16431; TOPMed 0.17213; ESP Exome Variant Server 0.19414.

Submission:

Unidad de Genómica Garrahan, Hospital de Pediatría Garrahan
Classification: Benign. Last evaluated: 2024-01-24. Review status: criteria provided, single submitter. Criteria: ACMG Guidelines, 2015. Collection method: clinical testing. Allele origin: germline. Affected: no. Observed: 23 variant alleles.
Comment: This variant is classified as Benign based on local population frequency. This variant was detected in 26% of patients studied by a panel of primary immunodeficiencies. Number of patients: 23. Only high quality variants are reported.